The following is an entry in ClinVar:

ClinVar aggregate classification (germline): Likely benign. Review status: criteria provided, multiple submitters, no conflicts (2 of 4 stars). 4 submissions from 4 submitters: Likely benign (3). 1 of the submissions does not count toward it. Last evaluated 2025-07-03.

Conditions:
DBT-related disorder. Also called: DBT-related condition.
Maple syrup urine disease (MSUD). Identifiers: Orphanet 511, MedGen C0024776, MeSH D008375, MONDO:0009563. Disease mechanism: loss of function.

Allele frequency attached by ClinVar (database versions not stated): gnomAD exomes below 0.00001 and 0.00001; gnomAD 0.00003 and 0.00004; TOPMed 0.00020.
gnomAD v4.1: 13 of 1,613,438 alleles (0.00081%); highest among the groups gnomAD compares: Admixed American, 0.015%; no homozygotes.

Submissions (4):

Labcorp Genetics (formerly Invitae), Labcorp
Classification: Likely benign for Maple syrup urine disease. Last evaluated: 2025-07-03. Review status: criteria provided, single submitter. Criteria: Invitae Variant Classification Sherloc (09022015). Collection method: clinical testing. Allele origin: germline.

Genome-Nilou Lab
Classification: Likely benign for Maple syrup urine disease type 1A. Last evaluated: 2023-04-11. Review status: criteria provided, single submitter. Criteria: ACMG Guidelines, 2015. Collection method: clinical testing. Allele origin: germline. Affected: no.

GeneDx
Classification: Likely benign. Last evaluated: 2016-10-04. Review status: criteria provided, single submitter. Criteria: GeneDx Variant Classification (06012015). Collection method: clinical testing. Allele origin: germline. Affected: yes.
Comment: This variant is considered likely benign or benign based on one or more of the following criteria: it is a conservative change, it occurs at a poorly conserved position in the protein, it is predicted to be benign by multiple in silico algorithms, and/or has population frequency not consistent with disease.

PreventionGenetics, part of Exact Sciences
Classification: Likely benign for DBT-related condition. Last evaluated: 2022-07-29. Review status: no assertion criteria provided. Collection method: clinical testing. Allele origin: germline. Not counted in ClinVar's aggregate classification.
Comment: This variant is classified as likely benign based on ACMG/AMP sequence variant interpretation guidelines (Richards et al. 2015 PMID: 25741868, with internal and published modifications).

NM_001918.5(DBT):c.1143C>G (p.Gly381=)

Gene: DBT (dihydrolipoamide branched chain transacylase E2; minus strand). Cytogenetic location: 1p21.2.
Variant type: single nucleotide variant.
Coding change: c.1143C>G on transcript NM_001918.5 (MANE Select); coding-DNA position 1143, C replaced by G.
Protein change: p.Gly381=; no amino-acid change (glycine 381 retained).
Molecular consequence: synonymous variant.
Genome position (GRCh38, 1-based): chr1:100,206,511, G>C on the plus strand (C>G on the coding strand, the complement: DBT is on the minus strand). VCF-style: chr1-100206511-G-C. GRCh37 (hg19) VCF-style: chr1-100672067-G-C.
Other names: c.1143C>G (NM_001918.3).
Identifiers: ClinVar variation 389399 (VCV000389399.8), dbSNP rs1052326198, ClinGen allele CA16603365.